The following is an entry in ClinVar:

ClinVar aggregate classification (germline): Likely benign (1 of 4 stars; one submission).

Submission:

CeGaT Center for Human Genetics Tuebingen
Classification: Likely benign. Last evaluated: 2026-04-01. Review status: criteria provided, single submitter. Criteria: CeGaT Center For Human Genetics Tuebingen Variant Classification Criteria Version 2. Collection method: clinical testing. Allele origin: germline. Affected: yes. Observed: 2 variant alleles.
Comment: MRPL44: PM2:Supporting, BP4, BP7

NM_022915.5(MRPL44):c.483T>C (p.Thr161=)

Gene: MRPL44 (mitochondrial ribosomal protein L44; plus strand). Cytogenetic location: 2q36.1.
Variant type: single nucleotide variant.
Coding change: c.483T>C on transcript NM_022915.5 (MANE Select); coding-DNA position 483, T replaced by C.
Protein change: p.Thr161=; no amino-acid change (threonine 161 retained).
Molecular consequence: synonymous variant.
Genome position (GRCh38, 1-based): chr2:223,959,837, T>C. VCF-style: chr2-223959837-T-C. GRCh37 (hg19) VCF-style: chr2-224824554-T-C.
Identifiers: ClinVar variation 4873014 (VCV004873014.2).